The following is an entry in ClinVar:

ClinVar aggregate classification (germline): Uncertain significance (1 of 4 stars; one submission).

Submission:

GeneDx
Classification: Uncertain significance. Last evaluated: 2023-07-19. Review status: criteria provided, single submitter. Criteria: GeneDx Variant Classification Process June 2021. Collection method: clinical testing. Allele origin: germline. Affected: yes.
Comment: In silico analysis supports that this missense variant does not alter protein structure/function; Not observed at significant frequency in large population cohorts (gnomAD); Has not been previously published as pathogenic or benign to our knowledge; Variants in candidate genes are classified as variants of uncertain significance in accordance with ACMG guidelines (Richards et al., 2015)

NM_012433.4(SF3B1):c.164T>G (p.Val55Gly)

Gene: SF3B1 (splicing factor 3b subunit 1; minus strand). Cytogenetic location: 2q33.1.
Variant type: single nucleotide variant.
Coding change: c.164T>G on transcript NM_012433.4 (MANE Select); coding-DNA position 164, T replaced by G.
Protein change: p.Val55Gly; replaces valine 55 with glycine.
Molecular consequence: missense variant.
Genome position (GRCh38, 1-based): chr2:197,423,839, A>C on the plus strand (T>G on the coding strand, the complement: SF3B1 is on the minus strand). VCF-style: chr2-197423839-A-C. GRCh37 (hg19) VCF-style: chr2-198288563-A-C.
Other names: c.164T>G, p.Val55Gly (NM_001005526.2, NM_001308824.1); short protein forms V55G.
Identifiers: ClinVar variation 4755751 (VCV004755751.1).
Genomic context (GRCh38, chr2:197,423,839, plus strand): 5'-CTGCCTCTTGTACATAATTTGTAACTTACATCTTCAAGTTCAGTTGCAGCAATTGATGTC[A>C]CGTATCCAGCAAATCTGCTGTCACTTCCACCATAAATTTCCTGGTCATAATAACCTGTAG-3'
Protein context (NP_036565.2, residues 45-65): GGSDSRFAGY[Val55Gly]TSIAATELED